The following is an entry in ClinVar:

NM_018418.5(SPATA7):c.1733A>G (p.His578Arg)

Gene: SPATA7 (spermatogenesis associated 7; plus strand). Cytogenetic location: 14q31.3.
Variant type: single nucleotide variant.
Coding change: c.1733A>G on transcript NM_018418.5 (MANE Select); coding-DNA position 1733, A replaced by G.
Protein change: p.His578Arg; replaces histidine 578 with arginine.
Molecular consequence: missense variant.
Genome position (GRCh38, 1-based): chr14:88,438,355, A>G. VCF-style: chr14-88438355-A-G. GRCh37 (hg19) VCF-style: chr14-88904699-A-G.
Other names: c.1637A>G, p.His546Arg (NM_001040428.4); short protein forms H546R, H578R.
Identifiers: ClinVar variation 1431391 (VCV001431391.5), dbSNP rs1487429161, ClinGen allele CA390574148.

ClinVar aggregate classification (germline): Uncertain significance. Review status: criteria provided, multiple submitters, no conflicts (2 of 4 stars). 2 submissions from 2 submitters: Uncertain significance (2). Last evaluated 2025-05-05.

Conditions:
Leber congenital amaurosis 3 (LCA3). Also called: SPATA7-Related Retinitis Pigmentosa. Identifiers: MedGen C1858677, MONDO:0011415, OMIM 604232.

Allele frequency attached by ClinVar (database versions not stated): gnomAD exomes 0.00001.
gnomAD v4.1: 9 of 1,614,120 alleles (0.00056%); highest among the groups gnomAD compares: East Asian, 0.0089%; no homozygotes.

Submissions (2):

Labcorp Genetics (formerly Invitae), Labcorp
Classification: Uncertain significance for Leber congenital amaurosis 3. Last evaluated: 2025-05-05. Review status: criteria provided, single submitter. Criteria: Invitae Variant Classification Sherloc (09022015). Collection method: clinical testing. Allele origin: germline.
Comment: This sequence change replaces histidine, which is basic and polar, with arginine, which is basic and polar, at codon 578 of the SPATA7 protein (p.His578Arg). This variant is present in population databases (no rsID available, gnomAD 0.02%). This variant has not been reported in the literature in individuals affected with SPATA7-related conditions. ClinVar contains an entry for this variant (Variation ID: 1431391). Invitae Evidence Modeling of protein sequence and biophysical properties (such as structural, functional, and spatial information, amino acid conservation, physicochemical variation, residue mobility, and thermodynamic stability) indicates that this missense variant is not expected to disrupt SPATA7 protein function with a negative predictive value of 80%. In summary, the available evidence is currently insufficient to determine the role of this variant in disease. Therefore, it has been classified as a Variant of Uncertain Significance.

Blueprint Genetics
Classification: Uncertain significance. Last evaluated: 2020-04-17. Review status: criteria provided, single submitter. Criteria: ACMG Guidelines, 2015. Collection method: clinical testing. Allele origin: germline.